The following is an entry in ClinVar:

NM_004409.5(DMPK):c.*224CTG[398]

Genes: DM1-AS (DM1 locus antisense RNA; plus strand), DMPK (DM1 protein kinase; minus strand), LOC107075317 (origin of replication in DMPK trinucleotide repeat region; plus strand), LOC109461477 (dystrophia myotonica protein kinase repeat instability region; plus strand). Cytogenetic location: 19q13.32.
Variant type: Microsatellite.
Coding change: c.*224CTG[398] on transcript NM_004409.5 (MANE Select); 398 copies in a row of the 3-base unit CTG starting at c.*224.
Molecular consequence: 3 prime UTR variant.
Genome position: GRCh38, VCF-style position (the base before the change): chr19:45,770,204. GRCh37 (hg19), VCF-style position (the base before the change): chr19:46,273,462.
Other names: DM1 CTG repeat expansion; c.*369CTG[398] (NM_001424168.1, NM_001288766.2, NM_001424164.1); c.*224CTG[398] (NM_001424169.1, NM_001081560.3, NM_001288764.2 and 1 more transcripts); c.*217CTG[398] (NM_001081562.3, NM_001288765.2, NM_001424162.1 and 2 more transcripts); c.*222_*224TGC[398] (NM_001081563.3).
Identifiers: ClinVar variation 187977 (VCV000187977.1), ClinGen allele CA915951790.

ClinVar aggregate classification (germline): Pathogenic (0 of 4 stars; one submission).

Conditions:
Steinert myotonic dystrophy syndrome (DM1). Also called: STEINERT DISEASE; Myotonic dystrophy type 1; Dystrophia myotonica type 1; Steinert myotonic dystrophy; Steinert's disease. Identifiers: Orphanet 273, MedGen C3250443, MONDO:0008056, OMIM 160900.

Submission:

Institute of Molecular, Cell and Systems Biology, University of Glasgow
Classification: Pathogenic for Steinert myotonic dystrophy syndrome. Review status: no assertion criteria provided. Criteria: research. Collection method: research. Allele origin: germline. Inheritance: Autosomal dominant inheritance. Affected: yes. Observed: 1 heterozygote.
Comment: DMPK CTG repeat expansions greater than approximately 45-50 repeats are assumed to be pathogenic

This record is based on data published in PubMed 25052313, which reports only ClinVar accessions SCV000120188 and SCV000120189. The complete data set includes SCV000207445 - SCV000207579.

Literature cited by the submitters: PubMed 1346923; PubMed 1546326; PubMed 25052313.